The following is an entry in ClinVar:

ClinVar aggregate classification (germline): Uncertain significance (1 of 4 stars; one submission).

Submission:

Greenwood Genetic Center Diagnostic Laboratories, Greenwood Genetic Center
Classification: Uncertain significance. Last evaluated: 2024-11-19. Review status: criteria provided, single submitter. Criteria: ACMG Guidelines, 2015. Collection method: clinical testing. Allele origin: germline. Affected: yes.
Comment: PM2, PM4

NM_001145358.2(SIN3A):c.794_799dup (p.Thr266_Pro267insGlnThr)

Gene: SIN3A (SIN3 transcription regulator family member A; minus strand). Cytogenetic location: 15q24.2.
Variant type: Duplication.
Coding change: c.794_799dup on transcript NM_001145358.2 (MANE Select); coding-DNA positions 794 to 799, 6 bases duplicated (AGACTC; older notation c.794_799dupAGACTC).
Protein change: p.Thr266_Pro267insGlnThr.
Genome position (GRCh38, 1-based): chr15:75,411,701-75,411,706, GAGTCT duplicated on the plus strand (AGACTC on the coding strand, the reverse complement: SIN3A is on the minus strand); duplicating any 6 consecutive bases within chr15:75,411,701-75,411,707 gives the same sequence; the c. name uses the placement nearest the transcript's 3' end. VCF-style (leftmost placement, unchanged base first): chr15-75411700-G-GGAGTCT. GRCh37 (hg19) VCF-style: chr15-75704041-G-GGAGTCT.
Other names: c.794_799dup, p.Thr266_Pro267insGlnThr (NM_001145357.2, NM_015477.3).
Identifiers: ClinVar variation 3765773 (VCV003765773.1).